The following is an entry in ClinVar:

NM_019892.6(INPP5E):c.964C>A (p.Leu322Met)

Gene: INPP5E (inositol polyphosphate-5-phosphatase E; minus strand). Cytogenetic location: 9q34.3.
Variant type: single nucleotide variant.
Coding change: c.964C>A on transcript NM_019892.6 (MANE Select); coding-DNA position 964, C replaced by A.
Protein change: p.Leu322Met; replaces leucine 322 with methionine.
Molecular consequence: missense variant.
Genome position (GRCh38, 1-based): chr9:136,434,107, G>T on the plus strand (C>A on the coding strand, the complement: INPP5E is on the minus strand). VCF-style: chr9-136434107-G-T. GRCh37 (hg19) VCF-style: chr9-139328559-G-T.
Other names: c.964C>A, p.Leu322Met (NM_001318502.2); short protein forms L322M.
Identifiers: ClinVar variation 1396023 (VCV001396023.4), dbSNP rs1451261136, ClinGen allele CA375565151.

ClinVar aggregate classification (germline): Uncertain significance. Review status: criteria provided, multiple submitters, no conflicts (2 of 4 stars). 2 submissions from 2 submitters: Uncertain significance (2). Last evaluated 2022-03-29.

Conditions:
Joubert syndrome. Also called: JOUBERT-BOLTSHAUSER SYNDROME; Familial aplasia of the vermis. Identifiers: Orphanet 475, MedGen C5979921, MONDO:0018772.

Allele frequency attached by ClinVar (database versions not stated): gnomAD 0.00001; gnomAD exomes 0.00001; TOPMed 0.00001.
gnomAD v4.1: 19 of 1,610,012 alleles (0.0012%); highest among the groups gnomAD compares: Non-Finnish European, 0.0014%; no homozygotes.

Submissions (2):

Labcorp Genetics (formerly Invitae), Labcorp
Classification: Uncertain significance for Joubert syndrome. Last evaluated: 2022-03-29. Review status: criteria provided, single submitter. Criteria: Invitae Variant Classification Sherloc (09022015). Collection method: clinical testing. Allele origin: germline.
Comment: This sequence change replaces leucine, which is neutral and non-polar, with methionine, which is neutral and non-polar, at codon 322 of the INPP5E protein (p.Leu322Met). This variant is not present in population databases (gnomAD no frequency). This variant has not been reported in the literature in individuals affected with INPP5E-related conditions. Advanced modeling of protein sequence and biophysical properties (such as structural, functional, and spatial information, amino acid conservation, physicochemical variation, residue mobility, and thermodynamic stability) performed at Invitae indicates that this missense variant is expected to disrupt INPP5E protein function. In summary, the available evidence is currently insufficient to determine the role of this variant in disease. Therefore, it has been classified as a Variant of Uncertain Significance.

Blueprint Genetics
Classification: Uncertain significance. Last evaluated: 2019-08-27. Review status: criteria provided, single submitter. Criteria: ACMG Guidelines, 2015. Collection method: clinical testing. Allele origin: germline.